The following is an entry in ClinVar:

ClinVar aggregate classification (germline): Pathogenic. Review status: criteria provided, single submitter (1 of 4 stars). 2 submissions from 2 submitters: Pathogenic (1). 1 of the submissions does not count toward it. Last evaluated 2025-12-30.

Conditions:
Clark-Baraitser syndrome. Also called: MENTAL RETARDATION, AUTOSOMAL DOMINANT 49; BARAITSER SYNDROME; Mental retardation, tall stature, obesity, macrocephaly and typical facial features; Intellectual disability, autosomal dominant 49. Identifiers: Orphanet 600731, MedGen C2931130, MONDO:0030914, OMIM 617752.

Submissions (2):

GeneDx
Classification: Pathogenic. Last evaluated: 2025-12-30. Review status: criteria provided, single submitter. Criteria: GeneDx Variant Classification Process June 2021. Collection method: clinical testing. Allele origin: germline.
Comment: Nonsense variant predicted to result in protein truncation or nonsense mediated decay in a gene for which loss of function is a known mechanism of disease; Not observed at significant frequency in large population cohorts (gnomAD); Has not been previously published as pathogenic or benign to our knowledge

Clinical Genetics Laboratory, University Hospital Schleswig-Holstein
Classification: Pathogenic for Clark-Baraitser syndrome. Last evaluated: 2024-07-15. Review status: no assertion criteria provided. Collection method: clinical testing. Allele origin: germline. Affected: yes. Not counted in ClinVar's aggregate classification.

NM_001348323.3(TRIP12):c.3787C>T (p.Arg1263Ter)

Gene: TRIP12 (thyroid hormone receptor interactor 12; minus strand). Cytogenetic location: 2q36.3.
Variant type: single nucleotide variant.
Coding change: c.3787C>T on transcript NM_001348323.3 (MANE Select); coding-DNA position 3787, C replaced by T.
Protein change: p.Arg1263Ter; replaces arginine 1263 with a stop codon.
Molecular consequence: nonsense.
Genome position (GRCh38, 1-based): chr2:229,796,620, G>A on the plus strand (C>T on the coding strand, the complement: TRIP12 is on the minus strand). VCF-style: chr2-229796620-G-A. GRCh37 (hg19) VCF-style: chr2-230661336-G-A.
Other names: c.3706C>T, p.Arg1236Ter (NM_001284214.2, NM_001348315.2); c.3661C>T, p.Arg1221Ter (NM_001284215.2, NM_001348316.2, NM_001348317.1 and 1 more transcripts); c.2752C>T, p.Arg918Ter (NM_001284216.2); c.3787C>T, p.Arg1263Ter (NM_001348319.1, NM_001348320.2, NM_001348322.1 and 4 more transcripts); c.3790C>T, p.Arg1264Ter (NM_001348321.1, NM_001348328.1, NM_001348329.2 and 1 more transcripts); c.3580C>T, p.Arg1194Ter (NM_001348331.1); c.3700C>T, p.Arg1234Ter (NM_001348332.1); c.3709C>T, p.Arg1237Ter (NM_001348333.1); and 1 more; short protein forms R1188*, R1194*, R1221*, R1234*, R1236*, R1237*, R1263*, R1264*.
Identifiers: ClinVar variation 2446125 (VCV002446125.3), dbSNP rs2154264214, ClinGen allele CA350904206.
Genomic context (GRCh38, chr2:229,796,620, plus strand): 5'-AAAGATACACAGGCATTATTAGATAACTTACTGGAGAAGAAAAAAATACATGAAGAAATC[G>A]CTTTAATCTGATCTCTCTGCTCACAGCATCCTTTTCACTTTTAGATGTCAAATAAAGCAA-3'